The following is an entry in ClinVar:

ClinVar aggregate classification (germline): Conflicting classifications of pathogenicity. Review status: criteria provided, conflicting classifications (1 of 4 stars). 4 submissions from 4 submitters: Likely pathogenic (1); Uncertain significance (3). Last evaluated 2025-11-13.

Conditions:
TNNI3-related disorder. Also called: TNNI3-related condition; TNNI3-related disorders.
Hypertrophic cardiomyopathy. Also called: HYPERTROPHIC MYOCARDIOPATHY. Identifiers: Orphanet 217569, MedGen C0007194, MeSH D002312, MONDO:0005045, HP:0001639.

Submissions (4):

Labcorp Genetics (formerly Invitae), Labcorp
Classification: Uncertain significance for Hypertrophic cardiomyopathy. Last evaluated: 2025-11-13. Review status: criteria provided, single submitter. Criteria: Invitae Variant Classification Sherloc (09022015). Collection method: clinical testing. Allele origin: germline.
Comment: This sequence change replaces glutamic acid, which is acidic and polar, with lysine, which is basic and polar, at codon 209 of the TNNI3 protein (p.Glu209Lys). This variant is not present in population databases (gnomAD no frequency). This missense change has been observed in individuals with hypertrophic cardiomyopathy (PMID: 27532257, 35208637, 37652022, 38456273). ClinVar contains an entry for this variant (Variation ID: 177666). An algorithm developed to predict the effect of missense changes on protein structure and function (PolyPhen-2) suggests that this variant is likely to be disruptive. In summary, the available evidence is currently insufficient to determine the role of this variant in disease. Therefore, it has been classified as a Variant of Uncertain Significance.

Blueprint Genetics
Classification: Likely pathogenic for TNNI3-related disorders. Last evaluated: 2023-10-11. Review status: criteria provided, single submitter. Criteria: ACMG Guidelines, 2015. Collection method: clinical testing. Allele origin: germline. Affected: yes. Observed: 1 variant allele.

Laboratory for Molecular Medicine, Mass General Brigham Personalized Medicine
Classification: Uncertain significance. Last evaluated: 2022-03-14. Review status: criteria provided, single submitter. Criteria: ACMG Guidelines, 2015. Collection method: clinical testing. Allele origin: germline.
Comment: The p.Glu209Lys variant in TNNI3 has been reported in 1 individual with hypertrophic cardiomyopathy (HCM) and segregated with disease in 2 affected individuals (Walsh 2017 PMID: 27532257, LMM data). This variant has also been reported by other clinical laboratories in ClinVar (Variation ID 177666). It was absent from large population studies. Computational prediction tools and conservation analyses suggest that this variant may impact the protein, though this information is not predictive enough to determine pathogenicity. In summary, the clinical significance of this variant is uncertain. ACMG/AMP Criteria applied: PP1, PM2_Supporting, PP3.

GeneDx
Classification: Uncertain significance. Last evaluated: 2021-04-02. Review status: criteria provided, single submitter. Criteria: GeneDx Variant Classification Process June 2021. Collection method: clinical testing. Allele origin: germline. Affected: yes.
Comment: Not observed in large population cohorts (Lek et al., 2016); In silico analysis supports that this missense variant has a deleterious effect on protein structure/function; This variant is associated with the following publications: (PMID: 27532257)

Literature cited by the submitters: PubMed 27532257 (cited by Labcorp Genetics (formerly Invitae), Labcorp and Laboratory for Molecular Medicine, Mass General Brigham Personalized Medicine); PubMed 35208637 (cited by Labcorp Genetics (formerly Invitae), Labcorp); PubMed 37652022 (cited by Labcorp Genetics (formerly Invitae), Labcorp); PubMed 38456273 (cited by Labcorp Genetics (formerly Invitae), Labcorp).

NM_000363.5(TNNI3):c.625G>A (p.Glu209Lys)

Gene: TNNI3 (troponin I3, cardiac type; minus strand). Cytogenetic location: 19q13.42.
Variant type: single nucleotide variant.
Coding change: c.625G>A on transcript NM_000363.5 (MANE Select); coding-DNA position 625, G replaced by A.
Protein change: p.Glu209Lys; replaces glutamic acid 209 with lysine.
Molecular consequence: missense variant.
Genome position (GRCh38, 1-based): chr19:55,151,842, C>T on the plus strand (G>A on the coding strand, the complement: TNNI3 is on the minus strand). VCF-style: chr19-55151842-C-T. GRCh37 (hg19) VCF-style: chr19-55663210-C-T.
Other names: p.E209K:GAG>AAG; short protein forms E209K.
Identifiers: ClinVar variation 177666 (VCV000177666.18), dbSNP rs727504268, ClinGen allele CA022097.
Genomic context (GRCh38, chr19:55,151,842, plus strand): 5'-AAGCTTTATTCCTCAGGGCCCTCCTCAGGGCAGGGGCAGTAGGCAGGAAGGCTCAGCTCT[C>T]AAACTTTTTCTTGCGGCCCTCCATTCCACTCAGTGCATCGATGTTCTTGCGCCAGTCTCC-3'
Protein context (NP_000354.4, residues 199-210): SGMEGRKKKF[Glu209Lys]S